The following is an entry in ClinVar:

NM_198576.4(AGRN):c.1903G>A (p.Asp635Asn)

Gene: AGRN (agrin; plus strand). Cytogenetic location: 1p36.33.
Variant type: single nucleotide variant.
Coding change: c.1903G>A on transcript NM_198576.4 (MANE Select); coding-DNA position 1903, G replaced by A.
Protein change: p.Asp635Asn; replaces aspartic acid 635 with asparagine.
Molecular consequence: missense variant.
Genome position (GRCh38, 1-based): chr1:1,043,927, G>A. VCF-style: chr1-1043927-G-A. GRCh37 (hg19) VCF-style: chr1-979307-G-A.
Other names: c.1903G>A, p.Asp635Asn (NM_001305275.2); c.1588G>A, p.Asp530Asn (NM_001364727.2); short protein forms D635N, D530N.
Identifiers: ClinVar variation 1988414 (VCV001988414.4), dbSNP rs773493980, ClinGen allele CA508375.

ClinVar aggregate classification (germline): Uncertain significance (1 of 4 stars; one submission).

Conditions:
Congenital myasthenic syndrome 8. Also called: MYASTHENIC SYNDROME, CONGENITAL, DUE TO AGRIN DEFICIENCY; Myasthenic syndrome, congenital, 8, with pre- and postsynaptic defects. Identifiers: Orphanet 590, MedGen C3808739, MONDO:0014052, OMIM 615120.

Allele frequency attached by ClinVar (database versions not stated): ExAC 0.00001.
gnomAD v4.1: 15 of 1,609,346 alleles (0.00093%); highest among the groups gnomAD compares: Middle Eastern, 0.017%; no homozygotes.

Submission:

Labcorp Genetics (formerly Invitae), Labcorp
Classification: Uncertain significance for Congenital myasthenic syndrome 8. Last evaluated: 2022-05-03. Review status: criteria provided, single submitter. Criteria: Invitae Variant Classification Sherloc (09022015). Collection method: clinical testing. Allele origin: germline.
Comment: In summary, the available evidence is currently insufficient to determine the role of this variant in disease. Therefore, it has been classified as a Variant of Uncertain Significance. Algorithms developed to predict the effect of missense changes on protein structure and function are either unavailable or do not agree on the potential impact of this missense change (SIFT: "Tolerated"; PolyPhen-2: "Probably Damaging"; Align-GVGD: "Class C0"). This variant has not been reported in the literature in individuals affected with AGRN-related conditions. The frequency data for this variant in the population databases is considered unreliable, as metrics indicate poor data quality at this position in the gnomAD database. This sequence change replaces aspartic acid, which is acidic and polar, with asparagine, which is neutral and polar, at codon 635 of the AGRN protein (p.Asp635Asn).